The following is an entry in ClinVar:

ClinVar aggregate classification (germline): Pathogenic/Likely pathogenic. Review status: criteria provided, multiple submitters, no conflicts (2 of 4 stars). 20 submissions from 20 submitters: Pathogenic (13); Likely pathogenic (6). 1 of the submissions does not count toward it. Last evaluated 2026-08-26.

Conditions:
Cardiac arrhythmia. Also called: Cardiac rhythm disease; Arrhythmia. Identifiers: MedGen C0003811, MONDO:0007263, HP:0011675.
Cardiovascular phenotype. Identifiers: MedGen CN230736.
KCNQ1-related disorder. Also called: KCNQ1-related disorders; KCNQ1-related condition. Identifiers: MedGen CN239322.
Familial long QT syndrome (RWS). Also called: Romano-Ward syndrome; VENTRICULAR FIBRILLATION WITH PROLONGED QT INTERVAL; Congenital long QT syndrome. Identifiers: Orphanet 768, MedGen C1141890, MONDO:0019171.
Long QT syndrome (LQTS). Identifiers: MedGen C0023976, MeSH D008133, MONDO:0002442. Disease mechanism: loss of function. Inheritance: Various modes of inheritance.
Long QT syndrome 1 (LQT1). Identifiers: Orphanet 101016, Orphanet 768, MedGen C4551647, MONDO:0100316, OMIM 192500, MONDO:0008646.

Submissions 1 to 7 of 20:

PreventionGenetics, part of Exact Sciences
Classification: Likely pathogenic for KCNQ1-related condition. Last evaluated: 2026-08-26. Review status: criteria provided, single submitter. Criteria: ACMG Guidelines, 2015. Collection method: clinical testing. Allele origin: germline.
Comment: The KCNQ1 c.1893dupC variant is predicted to result in a frameshift and premature protein termination (p.Arg632Glnfs*20). This variant is located in the last exon of the KCNQ1 gene and is not anticipated to result in nonsense mediated decay; however, it is expected to disrupt the last 45 amino acids of the KCNQ1 protein. This variant has been reported in the homozygous or compound heterozygous state in individuals with long QT-syndrome, with at least one reported case of Jervell and Lange-Nielsen syndrome (see for example: Andrsova et al. 2012. PubMed ID: 22727609; Sung et al. 2014. PubMed ID: 25187895; Mahdieh et al. 2020. PubMed ID: 32470535), though heterozygous carriers may display some symptoms (Neyroud et al. 1999. PubMed ID: 10024302). In vitro functional studies showed that this variant impacts channel properties and intracellular trafficking (Sato et al. 2009. PubMed ID: 19825999). This variant is reported in 0.020% of alleles in individuals of South Asian descent in gnomAD; however, the quality of this data is questionable and should be interpreted with caution. This variant is classified as pathogenic/likely pathogenic in the ClinVar database (Variation ID: 53027). Frameshift variants in KCNQ1 are expected to be pathogenic. This variant is interpreted as likely pathogenic.

Victorian Clinical Genetics Services, Murdoch Childrens Research Institute
Classification: Pathogenic for Long QT syndrome 1. Last evaluated: 2026-07-17. Review status: criteria provided, single submitter. Criteria: ACMG Guidelines, 2015. Collection method: clinical testing. Allele origin: germline. Affected: yes.
Comment: This variant is classified as Pathogenic. Evidence in support of pathogenic classification: This variant is predicted to result in a truncated protein (premature termination codon is NOT located at least 54 nucleotides upstream of the final exon-exon junction) with less than 1/3 of the protein sequence affected; This variant is present in gnomAD <0.01 (v4: 35 heterozygotes, 0 homozygotes); This variant has very strong previous evidence of pathogenicity in unrelated individuals. This variant has been reported in more than ten individuals with long QT syndrome, primarily in a homozygous state but also in a heterozygous state (ClinVar, VCGS cohort, PMIDs: 16981927, 23098067, 25187895, 33498651). Additional information: This variant is homozygous; This gene is associated with both recessive and dominant disease. Jervell and Lange-Nielsen syndrome is characterised by congenital, bilateral deafness and variable degrees of QT prolongation, and is the only condition caused by biallelic variants (PMID: 28438721); Variant is not located in an established domain, motif, hotspot or informative constraint region; Dominant negative, loss of function and gain of function are known mechanisms of disease in this gene. Gain of function variants result exclusively in short QT syndrome 2 (MIM#609621), while dominant negative and loss of function variants can cause long QT syndrome 1 (MIM#192500), familial atrial fibrillation 3 (MIM#607554) and Jervell and Lange-Nielsen syndrome (MIM#220400) (OMIM, PMIDs: 19632626, 28438721); The condition associated with this gene has incomplete penetrance (OMIM, PMID: 20301308); This variant has been shown to be both maternally and paternally inherited (biallelic).

Molecular Diagnostic Laboratory for Inherited Cardiovascular Disease, Montreal Heart Institute
Classification: Pathogenic for Cardiovascular phenotype. Last evaluated: 2026-07-07. Review status: criteria provided, single submitter. Criteria: ACMG Guidelines, 2015. Collection method: clinical testing. Allele origin: germline. Affected: yes.

CeGaT Center for Human Genetics Tuebingen
Classification: Likely pathogenic. Last evaluated: 2026-02-01. Review status: criteria provided, single submitter. Criteria: CeGaT Center For Human Genetics Tuebingen Variant Classification Criteria Version 2. Collection method: clinical testing. Allele origin: germline. Affected: yes. Observed: 1 variant allele.
Comment: KCNQ1: PVS1:Strong, PS4:Moderate, PM2:Supporting

Labcorp Genetics (formerly Invitae), Labcorp
Classification: Pathogenic for Long QT syndrome. Last evaluated: 2026-01-19. Review status: criteria provided, single submitter. Criteria: Invitae Variant Classification Sherloc (09022015). Collection method: clinical testing. Allele origin: germline.
Comment: This sequence change creates a premature translational stop signal (p.Arg632Glnfs*20) in the KCNQ1 gene. While this is not anticipated to result in nonsense mediated decay, it is expected to disrupt the last 45 amino acid(s) of the KCNQ1 protein. The frequency data for this variant in the population databases is considered unreliable, as metrics indicate poor data quality at this position in the gnomAD database. This premature translational stop signal has been observed in individuals with long QT syndrome, Jervell and Lange-Nielsen syndrome and recessive Romano–Ward syndrome (PMID: 10024302, 16981927, 19825999, 23098067, 23631430, 25187895). This variant is also known as 1893insC, insC1893–1894 (P631fs/19), 1893insC P631+19X and p.G629fs. ClinVar contains an entry for this variant (Variation ID: 53027). Algorithms developed to predict the effect of variants on gene product structure and function are not available or were not evaluated for this variant. Experimental studies have shown that this premature translational stop signal affects KCNQ1 function (PMID: 19825999). For these reasons, this variant has been classified as Pathogenic.

Ambry Genetics
Classification: Likely pathogenic for Cardiovascular phenotype. Last evaluated: 2025-06-05. Review status: criteria provided, single submitter. Criteria: Ambry Variant Classification Scheme 2023. Collection method: clinical testing. Allele origin: germline.
Comment: The c.1893dupC (p.R632Qfs*20) alteration, located in coding exon 16 of the KCNQ1 gene, consists of a duplication of C at position 1893, causing a translational frameshift with a predicted alternate stop codon after 20 amino acids. This variant is not expected to trigger nonsense-mediated mRNA decay, and impacts the last 7.1% of the protein. Premature stop codons are typically deleterious in nature and a significant portion of the protein is affected (Ambry internal data). Based on data from gnomAD, this allele has an overall frequency of 0.008% (15/183570) total alleles studied. The highest observed frequency was 0.02% (5/24848) of South Asian alleles. This variant was reported in individual(s) with features consistent with KCNQ1-related long QT syndrome and segregated with disease in at least one family, but clinical details were limited in some studies (Neyroud, 1998; Kapplinger, 2009; Crotti, 2012; Stattin, 2012; Marschall, 2019; Zouk, 2019; Westphal, 2020). This variant has also been identified in the homozygous state and in the compound heterozygous state in conjunction with other alterations in KCNQ1 in individuals with prolonged QT intervals; however, in some families this variant was detected in the heterozygous state in clinically unaffected relatives, suggesting co-segregation with incomplete penetrance (Novotny, 2006; Sato, 2009; Liev, 2013; Sung, 2014; Oertli, 2021). Functional in vitro analyses have suggested the truncated protein encoded by this frameshift is mislocalized in cells as a result of a trafficking defect and newly generated endoplasmic reticulum retention signals in the additional amino acids at the 3' terminus (Sato, 2009). Another in vitro study has reported this variant to result in significantly reduced channel current in the homozygous state and some reduction in current in the heterozygous state, where expression with KCNE1 appeared to rescue the effect seen in only the heterozygous state (Oertli, 2021). Based on the available evidence, this alteration is classified as likely pathogenic.

Institute of Human Genetics, University of Leipzig Medical Center
Classification: Likely pathogenic for Long QT syndrome 1. Last evaluated: 2025-03-04. Review status: criteria provided, single submitter. Criteria: ACMG Guidelines, 2015. Collection method: clinical testing. Allele origin: unknown. Inheritance: Autosomal dominant inheritance. Affected: yes.
Comment: Criteria applied: PS4,PVS1_MOD,PS3_MOD

NM_000218.3(KCNQ1):c.1893dup (p.Arg632fs)

Genes: KCNQ1 (potassium voltage-gated channel subfamily Q member 1; plus strand), KCNQ1-AS1 (KCNQ1 antisense RNA 1; minus strand). Cytogenetic location: 11p15.4.
Variant type: Duplication.
Coding change: c.1893dup on transcript NM_000218.3 (MANE Select); coding-DNA position 1893, one base duplicated (C; older notation c.1893dupC).
Protein change: p.Arg632fs; shifts the reading frame from arginine 632.
Molecular consequence: frameshift variant.
Genome position (GRCh38, 1-based): chr11:2,847,865, C duplicated; the last of 7 consecutive C bases (chr11:2,847,859-2,847,865); duplicating any one gives the same sequence. VCF-style (leftmost placement, unchanged base first): chr11-2847858-G-GC. GRCh37 (hg19) VCF-style: chr11-2869088-G-GC.
Other names: KCNQ1, 1-BP INS; p.Arg632Glnfs*20; p.(Arg632GlnfsTer20); c.1893dupC (NM_000218.2, NM_000218.3); c.1797dup, p.Arg600Glnfs (NM_001406836.1); c.1623dup, p.Arg542Glnfs (NM_001406837.1); c.1353dup, p.Arg452Glnfs (NM_001406838.1); c.405dup, p.Arg136Glnfs (NM_001406839.1); and 1 more; short protein forms R505fs, R632fs.
Identifiers: ClinVar variation 53027 (VCV000053027.53), dbSNP rs397508104, ClinGen allele CA252591.